The following is an entry in ClinVar:

ClinVar aggregate classification (germline): Pathogenic (1 of 4 stars; one submission).

Conditions:
Hereditary insensitivity to pain with anhidrosis (CIPA). Also called: INSENSITIVITY TO PAIN, CONGENITAL, WITH ANHIDROSIS; NTRK1 Congenital Insensitivity to Pain with Anhidrosis; HSAN Type IV; hereditary sensory and autonomic neuropathy type 4; FAMILIAL DYSAUTONOMIA, TYPE II; NEUROPATHY, CONGENITAL SENSORY, WITH ANHIDROSIS. Identifiers: Orphanet 642, MedGen C0020074, MONDO:0009746, OMIM 256800.

Allele frequency attached by ClinVar (database versions not stated): gnomAD exomes below 0.00001; TOPMed below 0.00001.
gnomAD v4.1: 1 of 1,613,184 alleles (0.000062%); highest among the groups gnomAD compares: Non-Finnish European, 0.000085%; no homozygotes.

Submission:

Labcorp Genetics (formerly Invitae), Labcorp
Classification: Pathogenic for Hereditary insensitivity to pain with anhidrosis. Last evaluated: 2023-05-31. Review status: criteria provided, single submitter. Criteria: Invitae Variant Classification Sherloc (09022015). Collection method: clinical testing. Allele origin: germline.
Comment: This sequence change creates a premature translational stop signal (p.Gln620*) in the NTRK1 gene. It is expected to result in an absent or disrupted protein product. Loss-of-function variants in NTRK1 are known to be pathogenic (PMID: 10982191). For these reasons, this variant has been classified as Pathogenic. Algorithms developed to predict the effect of sequence changes on RNA splicing suggest that this variant may disrupt the consensus splice site. ClinVar contains an entry for this variant (Variation ID: 2153098). This variant has not been reported in the literature in individuals affected with NTRK1-related conditions. This variant is not present in population databases (gnomAD no frequency).

Literature cited by the submitters: PubMed 10982191.

NM_002529.4(NTRK1):c.1876C>T (p.Gln626Ter)

Gene: NTRK1 (neurotrophic receptor tyrosine kinase 1; plus strand). Cytogenetic location: 1q23.1.
Variant type: single nucleotide variant.
Coding change: c.1876C>T on transcript NM_002529.4 (MANE Select); coding-DNA position 1876, C replaced by T.
Protein change: p.Gln626Ter; replaces glutamine 626 with a stop codon.
Molecular consequence: nonsense.
Genome position (GRCh38, 1-based): chr1:156,879,192, C>T. VCF-style: chr1-156879192-C-T. GRCh37 (hg19) VCF-style: chr1-156848984-C-T.
Other names: c.1876C>T, p.Gln626Ter (NM_001007204.1); c.1768C>T, p.Gln590Ter (NM_001007792.1); c.1858C>T, p.Gln620Ter (NM_001012331.2); short protein forms Q590*, Q620*, Q626*.
Identifiers: ClinVar variation 2153098 (VCV002153098.4), dbSNP rs1381516878, ClinGen allele CA342939605.